The following is an entry in ClinVar:

ClinVar aggregate classification (germline): Uncertain significance. Review status: criteria provided, multiple submitters, no conflicts (2 of 4 stars). 4 submissions from 4 submitters: Uncertain significance (4). Last evaluated 2025-07-03.

Conditions:
Congenital contractural arachnodactyly (CCA). Also called: Beals-Hecht syndrome; Arthrogryposis, distal, type 9; BEALS SYNDROME. Identifiers: Orphanet 115, MedGen C0220668, MONDO:0007363, OMIM 121050.
Familial thoracic aortic aneurysm and aortic dissection (TAAD). Also called: Thoracic aortic aneurysms and dissections. Identifiers: Orphanet 91387, MedGen C4707243, MONDO:0019625.

Allele frequency attached by ClinVar (database versions not stated): TOPMed 0.00002.
gnomAD v4.1: 5 of 1,614,116 alleles (0.00031%); highest among the groups gnomAD compares: Non-Finnish European, 0.00042%; no homozygotes.

Submissions (4):

Women's Health and Genetics/Laboratory Corporation of America, LabCorp
Classification: Uncertain significance. Last evaluated: 2025-07-03. Review status: criteria provided, single submitter. Criteria: LabCorp Variant Classification Summary - May 2015. Collection method: clinical testing. Allele origin: germline.

Ambry Genetics
Classification: Uncertain significance for Familial thoracic aortic aneurysm and aortic dissection. Last evaluated: 2025-01-21. Review status: criteria provided, single submitter. Criteria: Ambry Variant Classification Scheme 2023. Collection method: clinical testing. Allele origin: germline.
Comment: The p.M224I variant (also known as c.672G>A), located in coding exon 6 of the FBN2 gene, results from a G to A substitution at nucleotide position 672. The methionine at codon 224 is replaced by isoleucine, an amino acid with highly similar properties. This amino acid position is highly conserved in available vertebrate species. In addition, the in silico prediction for this alteration is inconclusive. Based on the available evidence, the clinical significance of this variant remains unclear.

Labcorp Genetics (formerly Invitae), Labcorp
Classification: Uncertain significance for Congenital contractural arachnodactyly. Last evaluated: 2024-11-19. Review status: criteria provided, single submitter. Criteria: Invitae Variant Classification Sherloc (09022015). Collection method: clinical testing. Allele origin: germline.
Comment: This sequence change replaces methionine, which is neutral and non-polar, with isoleucine, which is neutral and non-polar, at codon 224 of the FBN2 protein (p.Met224Ile). This variant is not present in population databases (gnomAD no frequency). This variant has not been reported in the literature in individuals affected with FBN2-related conditions. ClinVar contains an entry for this variant (Variation ID: 451214). Invitae Evidence Modeling of protein sequence and biophysical properties (such as structural, functional, and spatial information, amino acid conservation, physicochemical variation, residue mobility, and thermodynamic stability) indicates that this missense variant is not expected to disrupt FBN2 protein function with a negative predictive value of 80%. In summary, the available evidence is currently insufficient to determine the role of this variant in disease. Therefore, it has been classified as a Variant of Uncertain Significance.

GeneDx
Classification: Uncertain significance. Last evaluated: 2017-09-05. Review status: criteria provided, single submitter. Criteria: GeneDx Variant Classification (06012015). Collection method: clinical testing. Allele origin: germline. Affected: yes.
Comment: A variant of uncertain significance has been identified in the FBN2 gene. The M224I variant has not been published as pathogenic or been reported as benign to our knowledge. This variant is not observed in large population cohorts (Lek et al., 2016; 1000 Genomes Consortium et al., 2015; Exome Variant Server). This substitution occurs at a position that is conserved across species, and in silico analysis predicts this variant is probably damaging to the protein structure/function. However, the M224I variant is a conservative amino acid substitution, which is not likely to impact secondary protein structure as these residues share similar properties. Finally, the M224I variant does not affect a cysteine residue within a calcium-binding EGF-like domain of the FBN2 gene. Cysteine substitutions in the calcium-binding EGF-like domains represent the majority of pathogenic missense changes associated with congenital arachnodactyly (Collod-Beroud et al., 2003; FrÃ©dÃ©ric et al., 2009).

NM_001999.4(FBN2):c.672G>A (p.Met224Ile)

Gene: FBN2 (fibrillin 2; minus strand). Cytogenetic location: 5q23.3.
Variant type: single nucleotide variant.
Coding change: c.672G>A on transcript NM_001999.4 (MANE Select); coding-DNA position 672, G replaced by A.
Protein change: p.Met224Ile; replaces methionine 224 with isoleucine.
Molecular consequence: missense variant.
Genome position (GRCh38, 1-based): chr5:128,464,878, C>T on the plus strand (G>A on the coding strand, the complement: FBN2 is on the minus strand). VCF-style: chr5-128464878-C-T. GRCh37 (hg19) VCF-style: chr5-127800571-C-T.
Other names: short protein forms M224I.
Identifiers: ClinVar variation 451214 (VCV000451214.7), dbSNP rs371292311, ClinGen allele CA127045982.